The following is an entry in ClinVar:

ClinVar aggregate classification (germline): Benign (1 of 4 stars; one submission).

Conditions:
Congenital contractural arachnodactyly (CCA). Also called: BEALS SYNDROME; Beals-Hecht syndrome; Arthrogryposis, distal, type 9. Identifiers: Orphanet 115, MedGen C0220668, MONDO:0007363, OMIM 121050.

Allele frequency attached by ClinVar (database versions not stated): gnomAD exomes 0.16355; 1000 Genomes Project 0.24461; gnomAD 0.25020 and 0.26267; TOPMed 0.26406.
gnomAD v4.1: 37,707 of 151,806 alleles (25%); highest among the groups gnomAD compares: African/African-American, 59%; 7,984 homozygotes.

Submission:

Illumina Laboratory Services, Illumina
Classification: Benign for Congenital contractural arachnodactyly. Last evaluated: 2018-01-12. Review status: criteria provided, single submitter. Criteria: ICSL Variant Classification Criteria 13 December 2019. Collection method: clinical testing. Allele origin: germline.
Comment: This variant was observed in the ICSL laboratory as part of a predisposition screen in an ostensibly healthy population. It had not been previously curated by ICSL or reported in the Human Gene Mutation Database (HGMD: prior to June 1st, 2018), and was therefore a candidate for classification through an automated scoring system. Utilizing variant allele frequency, disease prevalence and penetrance estimates, and inheritance mode, an automated score was calculated to assess if this variant is too frequent to cause the disease. Based on the score and internal cut-off values, a variant classified as benign is not then subjected to further curation. The score for this variant resulted in a classification of benign for this disease.

NM_001999.4(FBN2):c.*1415G>A

Gene: FBN2 (fibrillin 2; minus strand). Cytogenetic location: 5q23.3.
Variant type: single nucleotide variant.
Coding change: c.*1415G>A on transcript NM_001999.4 (MANE Select); 1415 bases downstream of the stop codon, G replaced by A.
Molecular consequence: 3 prime UTR variant.
Genome position (GRCh38, 1-based): chr5:128,258,040, C>T on the plus strand (G>A on the coding strand, the complement: FBN2 is on the minus strand). VCF-style: chr5-128258040-C-T. GRCh37 (hg19) VCF-style: chr5-127593732-C-T.
Identifiers: ClinVar variation 350729 (VCV000350729.5), dbSNP rs1050687, ClinGen allele CA10620074.